The following is an entry in ClinVar:

NM_002161.6(IARS1):c.3662G>A (p.Arg1221Gln)

Gene: IARS1 (isoleucyl-tRNA synthetase 1; minus strand). Cytogenetic location: 9q22.31.
Variant type: single nucleotide variant.
Coding change: c.3662G>A on transcript NM_002161.6 (MANE Select); coding-DNA position 3662, G replaced by A.
Protein change: p.Arg1221Gln; replaces arginine 1221 with glutamine.
Molecular consequence: missense variant. On other transcripts: non-coding transcript variant (1), intron variant (1).
Genome position (GRCh38, 1-based): chr9:92,222,564, C>T on the plus strand (G>A on the coding strand, the complement: IARS1 is on the minus strand). VCF-style: chr9-92222564-C-T. GRCh37 (hg19) VCF-style: chr9-94984846-C-T.
Other names: c.3587G>A, p.Arg1196Gln (NM_001374299.1, NM_001374300.1); c.3578G>A, p.Arg1193Gln (NM_001374301.1); c.3725G>A, p.Arg1242Gln (NM_001378569.1); c.3683G>A, p.Arg1228Gln (NM_001378571.1, NM_001378572.1); c.3662G>A, p.Arg1221Gln (NM_001378573.1, NM_001378574.1, NM_001378575.1 and 2 more transcripts); c.3620G>A, p.Arg1207Gln (NM_001378577.1); c.3602G>A, p.Arg1201Gln (NM_001378578.1, NM_001378579.1, NM_001378580.1); c.3566G>A, p.Arg1189Gln (NM_001378582.1); and 4 more; short protein forms R1173Q, R1193Q, R1201Q, R1228Q, R1176Q, R1180Q, R1196Q, R1207Q.
Identifiers: ClinVar variation 3107817 (VCV003107817.1), dbSNP rs769885414, ClinGen allele CA5121800.

ClinVar aggregate classification (germline): Uncertain significance (1 of 4 stars; one submission).

Allele frequency attached by ClinVar (database versions not stated): gnomAD 0.00001; ExAC 0.00002.
gnomAD v4.1: 11 of 1,613,934 alleles (0.00068%); highest among the groups gnomAD compares: Admixed American, 0.0017%; no homozygotes.

Submission:

Ambry Genetics
Classification: Uncertain significance. Last evaluated: 2021-02-22. Review status: criteria provided, single submitter. Criteria: Ambry Variant Classification Scheme 2023. Collection method: clinical testing. Allele origin: germline.
Comment: The c.3662G>A (p.R1221Q) alteration is located in exon 33 (coding exon 32) of the IARS gene. This alteration results from a G to A substitution at nucleotide position 3662, causing the arginine (R) at amino acid position 1221 to be replaced by a glutamine (Q). The p.R1221Q alteration is predicted to be tolerated by in silico analysis. Based on insufficient or conflicting evidence, the clinical significance of this alteration remains unclear.